The following is an entry in ClinVar:

NM_000069.3(CACNA1S):c.3606C>T (p.Ile1202=)

Gene: CACNA1S (calcium voltage-gated channel subunit alpha1 S; minus strand). Cytogenetic location: 1q32.1.
Variant type: single nucleotide variant.
Coding change: c.3606C>T on transcript NM_000069.3 (MANE Select); coding-DNA position 3606, C replaced by T.
Protein change: p.Ile1202=; no amino-acid change (isoleucine 1202 retained).
Molecular consequence: synonymous variant.
Genome position (GRCh38, 1-based): chr1:201,058,411, G>A on the plus strand (C>T on the coding strand, the complement: CACNA1S is on the minus strand). VCF-style: chr1-201058411-G-A. GRCh37 (hg19) VCF-style: chr1-201027539-G-A.
Identifiers: ClinVar variation 294730 (VCV000294730.29), dbSNP rs189797100, ClinGen allele CA082635.

ClinVar aggregate classification (germline): Benign/Likely benign. Review status: criteria provided, multiple submitters, no conflicts (2 of 4 stars). 10 submissions from 7 submitters: Benign (2); Likely benign (8). Last evaluated 2025-11-20.

Conditions:
Thyrotoxic periodic paralysis, susceptibility to, 1 (TTPP1). Identifiers: Orphanet 79102, MedGen C2749982, MONDO:0008570, OMIM 188580.
Hypokalemic periodic paralysis, type 1. Also called: Hypokalemic Periodic Paralysis Type 1 (AD); HypoPP. Identifiers: Orphanet 681, MedGen C3714580, MONDO:0042979, OMIM 170400.
Malignant hyperthermia, susceptibility to, 5 (MHS5). Also called: CACNA1S-Related Malignant Hyperthermia Susceptibility. Identifiers: Orphanet 423, MedGen C1866077, MONDO:0011163, OMIM 601887.
Congenital myopathy 18. Also called: Myopathy, congenital, due to dihydropyridine receptor defect; DIHYDROPYRIDINE RECEPTOR CONGENITAL MYOPATHY; DHPR CONGENITAL MYOPATHY. Identifiers: MedGen C5830283, MONDO:0859514, OMIM 620246.

Allele frequency attached by ClinVar (database versions not stated): gnomAD exomes 0.00009 and 0.00031; TOPMed 0.00013; gnomAD 0.00006 and 0.00015; ExAC 0.00037; 1000 Genomes Project 0.00080; 1000 Genomes Project 30x 0.00094.
gnomAD v4.1: 160 of 1,613,598 alleles (0.0099%); highest among the groups gnomAD compares: East Asian, 0.18%; no homozygotes.

Submissions (10):

Labcorp Genetics (formerly Invitae), Labcorp
Classification: Benign for Hypokalemic periodic paralysis, type 1; Malignant hyperthermia, susceptibility to, 5. Last evaluated: 2025-11-20. Review status: criteria provided, single submitter. Criteria: Invitae Variant Classification Sherloc (09022015). Collection method: clinical testing. Allele origin: germline.

All of Us Research Program, National Institutes of Health
Classification: Likely benign for Malignant hyperthermia, susceptibility to, 5. Last evaluated: 2024-02-05. Review status: criteria provided, single submitter. Criteria: ACMG Guidelines, 2015. Collection method: clinical testing. Allele origin: germline. Inheritance: Autosomal dominant inheritance. Observed: 16 variant alleles, 16 heterozygotes.
Comment: This study involves interpretation of variants in research participants for the purpose of population health screening. Participant phenotype was not available at the time of variant classification. Additional details can be found in publication PMID: 35346344, PMCID: PMC8962531

Genome-Nilou Lab
Classification: Likely benign for Malignant hyperthermia, susceptibility to, 5. Last evaluated: 2023-04-11. Review status: criteria provided, single submitter. Criteria: ACMG Guidelines, 2015. Collection method: clinical testing. Allele origin: germline. Affected: no.

Genome-Nilou Lab
Classification: Likely benign for Thyrotoxic periodic paralysis, susceptibility to, 1. Last evaluated: 2023-04-11. Review status: criteria provided, single submitter. Criteria: ACMG Guidelines, 2015. Collection method: clinical testing. Allele origin: germline. Affected: no.

Genome-Nilou Lab
Classification: Likely benign for Congenital myopathy 18. Last evaluated: 2023-04-11. Review status: criteria provided, single submitter. Criteria: ACMG Guidelines, 2015. Collection method: clinical testing. Allele origin: germline. Affected: no.

Genome-Nilou Lab
Classification: Likely benign for Hypokalemic periodic paralysis, type 1. Last evaluated: 2023-04-11. Review status: criteria provided, single submitter. Criteria: ACMG Guidelines, 2015. Collection method: clinical testing. Allele origin: germline. Affected: no.

Blueprint Genetics
Classification: Likely benign. Last evaluated: 2023-03-29. Review status: criteria provided, single submitter. Criteria: ACMG Guidelines, 2015. Collection method: clinical testing. Allele origin: germline.

Color Diagnostics, LLC DBA Color Health
Classification: Likely benign for Malignant hyperthermia, susceptibility to, 5. Last evaluated: 2022-11-06. Review status: criteria provided, single submitter. Criteria: ACMG Guidelines, 2015. Collection method: clinical testing. Allele origin: germline.

Fulgent Genetics
Classification: Likely benign for Hypokalemic periodic paralysis, type 1; Thyrotoxic periodic paralysis, susceptibility to, 1; Malignant hyperthermia, susceptibility to, 5. Last evaluated: 2022-04-01. Review status: criteria provided, single submitter. Criteria: ACMG Guidelines, 2015. Collection method: clinical testing. Allele origin: unknown.

Illumina Laboratory Services, Illumina
Classification: Benign for Hypokalemic periodic paralysis, type 1. Last evaluated: 2018-01-13. Review status: criteria provided, single submitter. Criteria: ICSL Variant Classification Criteria 13 December 2019. Collection method: clinical testing. Allele origin: germline.
Comment: This variant was observed in the ICSL laboratory as part of a predisposition screen in an ostensibly healthy population. It had not been previously curated by ICSL or reported in the Human Gene Mutation Database (HGMD: prior to June 1st, 2018), and was therefore a candidate for classification through an automated scoring system. Utilizing variant allele frequency, disease prevalence and penetrance estimates, and inheritance mode, an automated score was calculated to assess if this variant is too frequent to cause the disease. Based on the score and internal cut-off values, a variant classified as benign is not then subjected to further curation. The score for this variant resulted in a classification of benign for this disease.